The following is an entry in ClinVar:

NM_017617.5(NOTCH1):c.3893G>C (p.Gly1298Ala)

Gene: NOTCH1 (notch receptor 1; minus strand). Cytogenetic location: 9q34.3.
Variant type: single nucleotide variant.
Coding change: c.3893G>C on transcript NM_017617.5 (MANE Select); coding-DNA position 3893, G replaced by C.
Protein change: p.Gly1298Ala; replaces glycine 1298 with alanine.
Molecular consequence: missense variant.
Genome position (GRCh38, 1-based): chr9:136,506,724, C>G on the plus strand (G>C on the coding strand, the complement: NOTCH1 is on the minus strand). VCF-style: chr9-136506724-C-G. GRCh37 (hg19) VCF-style: chr9-139401176-C-G.
Other names: short protein forms G1298A.
Identifiers: ClinVar variation 1304291 (VCV001304291.2), dbSNP rs760966826, ClinGen allele CA5340778.
Genomic context (GRCh38, chr9:136,506,724, plus strand): 5'-GAGGCTCACCCTGCTGCCCCACACGCCCCACCCGCCTGGGCGCGGCACCCACCGGTGTGA[C>G]CAGCACGGCACTCGCAGTGGAAGTCATTGACGCGCTGCACGCAGTTCTGGGTGCCACGGG-3'
Protein context (NP_060087.3, residues 1288-1308): VNDFHCECRA[Gly1298Ala]HTGRRCESVI

ClinVar aggregate classification (germline): Uncertain significance (1 of 4 stars; one submission).

Allele frequency attached by ClinVar (database versions not stated): ExAC 0.00002; gnomAD exomes below 0.00001.
gnomAD v4.1: 1 of 1,599,568 alleles (0.000063%); highest among the groups gnomAD compares: South Asian, 0.0011%; no homozygotes.

Submission:

GeneDx
Classification: Uncertain significance. Last evaluated: 2020-02-28. Review status: criteria provided, single submitter. Criteria: GeneDx Variant Classification Process June 2021. Collection method: clinical testing. Allele origin: germline. Affected: yes.
Comment: Not observed at a significant frequency in large population cohorts (Lek et al., 2016); In silico analysis supports that this missense variant has a deleterious effect on protein structure/function; Has not been previously published as pathogenic or benign to our knowledge